The following is an entry in ClinVar:

ClinVar aggregate classification (germline): Uncertain significance (1 of 4 stars; one submission).

Conditions:
Nemaline myopathy 5 (NEM5A). Also called: Nemaline myopathy 5, Amish type; NEMALINE MYOPATHY, AMISH TYPE; NEMALINE MYOPATHY 5A, AUTOSOMAL RECESSIVE, SEVERE INFANTILE. Identifiers: Orphanet 98902, MedGen C1854380, MONDO:0011539, OMIM 605355.

Allele frequency attached by ClinVar (database versions not stated): TOPMed below 0.00001.
gnomAD v4.1: 6 of 1,613,410 alleles (0.00037%); highest among the groups gnomAD compares: Non-Finnish European, 0.00025%; no homozygotes.

Submission:

Labcorp Genetics (formerly Invitae), Labcorp
Classification: Uncertain significance for Nemaline myopathy 5. Last evaluated: 2022-08-16. Review status: criteria provided, single submitter. Criteria: Invitae Variant Classification Sherloc (09022015). Collection method: clinical testing. Allele origin: germline.
Comment: In summary, the available evidence is currently insufficient to determine the role of this variant in disease. Therefore, it has been classified as a Variant of Uncertain Significance. Algorithms developed to predict the effect of missense changes on protein structure and function are either unavailable or do not agree on the potential impact of this missense change (SIFT: "Tolerated"; PolyPhen-2: "Not Available"; Align-GVGD: "Class C0"). ClinVar contains an entry for this variant (Variation ID: 1046151). This variant has not been reported in the literature in individuals affected with TNNT1-related conditions. This variant is not present in population databases (gnomAD no frequency). This sequence change replaces arginine, which is basic and polar, with histidine, which is basic and polar, at codon 39 of the TNNT1 protein (p.Arg39His).

NM_003283.6(TNNT1):c.116G>A (p.Arg39His)

Gene: TNNT1 (troponin T1, slow skeletal type; minus strand). Cytogenetic location: 19q13.42.
Variant type: single nucleotide variant.
Coding change: c.116G>A on transcript NM_003283.6 (MANE Select); coding-DNA position 116, G replaced by A.
Protein change: p.Arg39His; replaces arginine 39 with histidine.
Molecular consequence: missense variant.
Genome position (GRCh38, 1-based): chr19:55,145,556, C>T on the plus strand (G>A on the coding strand, the complement: TNNT1 is on the minus strand). VCF-style: chr19-55145556-C-T. GRCh37 (hg19) VCF-style: chr19-55656924-C-T.
Other names: c.116G>A, p.Arg39His (NM_001126132.3); c.83G>A, p.Arg28His (NM_001126133.3, NM_001291774.2); short protein forms R39H, R28H.
Identifiers: ClinVar variation 1046151 (VCV001046151.9), dbSNP rs1599891643, ClinGen allele CA407438095.